The following is an entry in ClinVar:

ClinVar aggregate classification (germline): Likely pathogenic (1 of 4 stars; one submission).

Conditions:
Hereditary cancer-predisposing syndrome. Also called: Hereditary neoplastic syndrome; Hereditary Cancer Syndrome; Neoplastic Syndromes, Hereditary; Tumor predisposition. Identifiers: Orphanet 140162, MedGen C0027672, MeSH D009386, MONDO:0015356.

Submission:

Ambry Genetics
Classification: Likely pathogenic for Hereditary cancer-predisposing syndrome. Last evaluated: 2024-12-16. Review status: criteria provided, single submitter. Criteria: Ambry Variant Classification Scheme 2023. Collection method: clinical testing. Allele origin: germline.
Comment: The p.M1? variant (also known as c.2T>A) is located in coding exon 1 of the SUFU gene and results from a T to A substitution at nucleotide position 2. This alters the methionine residue at the initiation codon (ATG). This amino acid position is well conserved in available vertebrate species. Sequence variations that modify the initiation codon are expected to result in either loss of translation initiation, N-terminal truncation, or cause a shift in the mRNA reading frame. This variant is considered to be rare based on population cohorts in the Genome Aggregation Database (gnomAD). Based on the majority of available evidence to date, this variant is likely to be pathogenic.

NM_016169.4(SUFU):c.2T>A (p.Met1Lys)

Genes: SUFU (SUFU negative regulator of hedgehog signaling; plus strand), LOC130004614 (ATAC-STARR-seq lymphoblastoid silent region 2764; plus strand). Cytogenetic location: 10q24.32.
Variant type: single nucleotide variant.
Coding change: c.2T>A on transcript NM_016169.4 (MANE Select); coding-DNA position 2, T replaced by A.
Protein change: p.Met1Lys; changes the start codon (methionine 1).
Molecular consequence: missense variant, initiator codon variant.
Genome position (GRCh38, 1-based): chr10:102,504,154, T>A. VCF-style: chr10-102504154-T-A. GRCh37 (hg19) VCF-style: chr10-104263911-T-A.
Other names: c.2T>A, p.Met1Lys (NM_001178133.2); short protein forms M1K.
Identifiers: ClinVar variation 2566871 (VCV002566871.4), dbSNP rs2544829669, ClinGen allele CA377885976.